The following is an entry in ClinVar:

NM_001267727.2(ARSG):c.1024C>T (p.Arg342Trp)

Gene: ARSG (arylsulfatase G; plus strand). Cytogenetic location: 17q24.2.
Variant type: single nucleotide variant.
Coding change: c.1024C>T on transcript NM_001267727.2 (MANE Select); coding-DNA position 1024, C replaced by T.
Protein change: p.Arg342Trp; replaces arginine 342 with tryptophan.
Molecular consequence: missense variant.
Genome position (GRCh38, 1-based): chr17:68,385,105, C>T. VCF-style: chr17-68385105-C-T. GRCh37 (hg19) VCF-style: chr17-66381246-C-T.
Other names: c.1024C>T, p.Arg342Trp (NM_001352899.2, NM_001352900.2, NM_001352901.2 and 3 more transcripts); c.1021C>T, p.Arg341Trp (NM_001352903.2, NM_001352904.2, NM_001352905.2 and 2 more transcripts); c.976C>T, p.Arg326Trp (NM_001352909.2); short protein forms R341W, R326W, R342W.
Identifiers: ClinVar variation 1936064 (VCV001936064.5), dbSNP rs770137900, ClinGen allele CA8728449.

ClinVar aggregate classification (germline): Uncertain significance. Review status: criteria provided, single submitter (1 of 4 stars). 2 submissions from 2 submitters: Uncertain significance (1). 1 of the submissions does not count toward it. Last evaluated 2024-10-25.

Conditions:
Usher syndrome, type 4. Also called: USHER SYNDROME, TYPE IV. Identifiers: MedGen C4748364, MONDO:0029141, OMIM 618144.

Allele frequency attached by ClinVar (database versions not stated): gnomAD 0.00001; ExAC 0.00002.
gnomAD v4.1: 13 of 1,613,886 alleles (0.00081%); highest among the groups gnomAD compares: Middle Eastern, 0.016%; no homozygotes.

Submissions (2):

Labcorp Genetics (formerly Invitae), Labcorp
Classification: Uncertain significance. Last evaluated: 2024-10-25. Review status: criteria provided, single submitter. Criteria: Invitae Variant Classification Sherloc (09022015). Collection method: clinical testing. Allele origin: germline.
Comment: This sequence change replaces arginine, which is basic and polar, with tryptophan, which is neutral and slightly polar, at codon 342 of the ARSG protein (p.Arg342Trp). This variant is present in population databases (rs770137900, gnomAD 0.007%). This missense change has been observed in individual(s) with Usher syndrome (PMID: 35226187). ClinVar contains an entry for this variant (Variation ID: 1936064). Invitae Evidence Modeling of protein sequence and biophysical properties (such as structural, functional, and spatial information, amino acid conservation, physicochemical variation, residue mobility, and thermodynamic stability) indicates that this missense variant is expected to disrupt ARSG protein function with a positive predictive value of 80%. Experimental studies have shown that this missense change affects ARSG function (PMID: 35226187). In summary, the available evidence is currently insufficient to determine the role of this variant in disease. Therefore, it has been classified as a Variant of Uncertain Significance.

OMIM
Classification: Pathogenic for USHER SYNDROME, TYPE IV. Last evaluated: 2023-08-17. Review status: no assertion criteria provided. Collection method: literature only. Allele origin: germline. Not counted in ClinVar's aggregate classification.

Literature cited by the submitters: PubMed 35226187 (cited by Labcorp Genetics (formerly Invitae), Labcorp and OMIM).